The following is an entry in ClinVar:

NM_014000.3(VCL):c.2745+1G>C

Gene: VCL (vinculin; plus strand). Cytogenetic location: 10q22.2.
Variant type: single nucleotide variant.
Coding change: c.2745+1G>C on transcript NM_014000.3 (MANE Select); the canonical splice donor site of the intron after coding-DNA position 2745, G replaced by C.
Molecular consequence: splice donor variant.
Genome position (GRCh38, 1-based): chr10:74,109,157, G>C. VCF-style: chr10-74109157-G-C. GRCh37 (hg19) VCF-style: chr10-75868915-G-C.
Other names: c.2745+1G>C (NM_003373.4).
Identifiers: ClinVar variation 2023693 (VCV002023693.4), dbSNP rs1215074217, ClinGen allele CA377264509.

ClinVar aggregate classification (germline): Uncertain significance (1 of 4 stars; one submission).

Conditions:
Dilated cardiomyopathy 1W (CMD1W). Identifiers: Orphanet 154, MedGen C1969639, MONDO:0012667, OMIM 611407.

Submission:

Labcorp Genetics (formerly Invitae), Labcorp
Classification: Uncertain significance for Dilated cardiomyopathy 1W. Last evaluated: 2026-01-15. Review status: criteria provided, single submitter. Criteria: Invitae Variant Classification Sherloc (09022015). Collection method: clinical testing. Allele origin: germline.
Comment: This sequence change affects a donor splice site in intron 18 of the VCL gene. It is expected to disrupt RNA splicing. Variants that disrupt the donor or acceptor splice site typically lead to a loss of protein function (PMID: 16199547), however the current clinical and genetic evidence is not sufficient to establish whether loss-of-function variants in VCL cause disease. This variant is not present in population databases (gnomAD no frequency). This variant has not been reported in the literature in individuals affected with VCL-related conditions. ClinVar contains an entry for this variant (Variation ID: 2023693). Algorithms developed to predict the effect of sequence changes on RNA splicing suggest that this variant may disrupt the consensus splice site. In summary, the available evidence is currently insufficient to determine the role of this variant in disease. Therefore, it has been classified as a Variant of Uncertain Significance.

Literature cited by the submitters: PubMed 16199547.